The following is an entry in ClinVar:

NM_000282.4(PCCA):c.756T>A (p.Ser252Arg)

Gene: PCCA (propionyl-CoA carboxylase subunit alpha; plus strand). Cytogenetic location: 13q32.3.
Variant type: single nucleotide variant.
Coding change: c.756T>A on transcript NM_000282.4 (MANE Select); coding-DNA position 756, T replaced by A.
Protein change: p.Ser252Arg; replaces serine 252 with arginine.
Molecular consequence: missense variant. On other transcripts: 5 prime UTR variant (3), non-coding transcript variant (5).
Genome position (GRCh38, 1-based): chr13:100,262,768, T>A. VCF-style: chr13-100262768-T-A. GRCh37 (hg19) VCF-style: chr13-100915022-T-A.
Other names: c.678T>A, p.Ser226Arg (NM_001127692.3, NM_001352607.2, NM_001352608.2); c.756T>A, p.Ser252Arg (NM_001178004.2, NM_001352605.2, NM_001352606.2 and 1 more transcripts); c.-190T>A (NM_001352610.2, NM_001352611.2, NM_001352612.2); short protein forms S226R, S252R.
Identifiers: ClinVar variation 3384972 (VCV003384972.2).

ClinVar aggregate classification (germline): Likely pathogenic. Review status: criteria provided, multiple submitters, no conflicts (2 of 4 stars). 2 submissions from 2 submitters: Likely pathogenic (2). Last evaluated 2026-01-26.

Conditions:
Propionic acidemia (PROP). Also called: GLYCINEMIA, KETOTIC; HYPERGLYCINEMIA WITH KETOACIDOSIS AND LEUKOPENIA; KETOTIC HYPERGLYCINEMIA. Identifiers: Orphanet 35, MedGen C0268579, MONDO:0011628, OMIM 606054, HP:0003571.

gnomAD v4.1: 1 of 1,597,252 alleles (0.000063%); highest among the groups gnomAD compares: Non-Finnish European, 0.000086%; no homozygotes.

Submissions (2):

3billion
Classification: Likely pathogenic for Propionic acidemia. Last evaluated: 2026-01-26. Review status: criteria provided, single submitter. Criteria: ACMG Guidelines, 2015. Collection method: clinical testing. Allele origin: germline. Affected: yes.
Comment: The variant is observed at an extremely low frequency in the gnomAD v4.1.0 dataset (total allele frequency: <0.001%). Predicted Consequence/Location: Missense variant Functional studies provide moderate evidence of the variant having a damaging effect on the gene or gene product (PMID: 30274917). In silico tool predictions suggest damaging effect of the variant on gene or gene product [REVEL: 0.88 (>=0.6, sensitivity 0.68 and specificity 0.92); 3Cnet: 0.98 (> 0.75, sensitivity 0.96 and precision 0.92)]. The same nucleotide change resulting in the same amino acid change has been previously reported to be associated with PCCA-related disorder (ClinVar ID: VCV003384972 /PMID: 30274917). Therefore, this variant is classified as Likely pathogenic according to the recommendation of ACMG/AMP guideline.

Women's Health and Genetics/Laboratory Corporation of America, LabCorp
Classification: Likely pathogenic for Propionic acidemia. Last evaluated: 2024-10-02. Review status: criteria provided, single submitter. Criteria: LabCorp Variant Classification Summary - May 2015. Collection method: clinical testing. Allele origin: germline.
Comment: Variant summary: PCCA c.756T>A (p.Ser252Arg) results in a non-conservative amino acid change located in the Carbamoyl-phosphate synthetase large subunit-like, ATP-binding domain (IPR005479) of the encoded protein sequence. Five of five in-silico tools predict a damaging effect of the variant on protein function. The variant was absent in 250398 control chromosomes (gnomAD). c.756T>A has been reported in the literature in at least an individual affected with Propionic Acidemia (example: Rivera-Barahona_2018). This report however, does not provide unequivocal conclusions about association of the variant with Propionic Acidemia. In vitro functional enzymatic assays show reduced activity for the variant (Rivera-Barahona_2018). The following publication has been ascertained in the context of this evaluation (PMID: 30274917). No submitters have cited clinical-significance assessments for this variant to ClinVar. Based on the evidence outlined above, the variant was classified as likely pathogenic.

Literature cited by the submitters: PubMed 30274917 (cited by 3billion and Women's Health and Genetics/Laboratory Corporation of America, LabCorp).